The following is an entry in ClinVar:

ClinVar aggregate classification (germline): Uncertain significance (1 of 4 stars; one submission).

Conditions:
Joubert syndrome. Also called: Familial aplasia of the vermis; CEREBELLOPARENCHYMAL DISORDER IV; JOUBERT-BOLTSHAUSER SYNDROME. Identifiers: Orphanet 475, MedGen C5979921, MONDO:0018772.
Meckel-Gruber syndrome. Also called: Dysencephalia splachnocystica; DYSENCEPHALIA SPLANCHNOCYSTICA; GRUBER SYNDROME. Identifiers: Orphanet 564, MedGen C0265215, MONDO:0018921.
Nephronophthisis. Also called: Juvenile Nephronophthisis. Identifiers: Orphanet 655, MedGen C0687120, MONDO:0019005, HP:0000090.

Submission:

Labcorp Genetics (formerly Invitae), Labcorp
Classification: Uncertain significance for Joubert syndrome; Meckel-Gruber syndrome; Nephronophthisis. Last evaluated: 2020-10-09. Review status: criteria provided, single submitter. Criteria: Invitae Variant Classification Sherloc (09022015). Collection method: clinical testing. Allele origin: germline.
Comment: Algorithms developed to predict the effect of missense changes on protein structure and function are either unavailable or do not agree on the potential impact of this missense change (SIFT: "Deleterious"; PolyPhen-2: "Possibly Damaging"; Align-GVGD: "Class C0"). In summary, the available evidence is currently insufficient to determine the role of this variant in disease. Therefore, it has been classified as a Variant of Uncertain Significance. This variant is not present in population databases (ExAC no frequency). This variant has not been reported in the literature in individuals with CEP290-related conditions. This sequence change replaces tryptophan with glycine at codon 1028 of the CEP290 protein (p.Trp1028Gly). The tryptophan residue is moderately conserved and there is a large physicochemical difference between tryptophan and glycine.

NM_025114.4(CEP290):c.3082T>G (p.Trp1028Gly)

Gene: CEP290 (centrosomal protein 290; minus strand). Cytogenetic location: 12q21.32.
Variant type: single nucleotide variant.
Coding change: c.3082T>G on transcript NM_025114.4 (MANE Select); coding-DNA position 3082, T replaced by G.
Protein change: p.Trp1028Gly; replaces tryptophan 1028 with glycine.
Molecular consequence: missense variant.
Genome position (GRCh38, 1-based): chr12:88,096,909, A>C on the plus strand (T>G on the coding strand, the complement: CEP290 is on the minus strand). VCF-style: chr12-88096909-A-C. GRCh37 (hg19) VCF-style: chr12-88490686-A-C.
Other names: short protein forms W1028G.
Identifiers: ClinVar variation 1004270 (VCV001004270.9), dbSNP rs2037472723, ClinGen allele CA386006889.